The following is an entry in ClinVar:

ClinVar aggregate classification (germline): Uncertain significance (1 of 4 stars; one submission).

gnomAD v4.1: 1 of 1,203,668 alleles (0.000083%); highest among the groups gnomAD compares: Non-Finnish European, 0.00011%; no homozygotes.

Submission:

CeGaT Center for Human Genetics Tuebingen
Classification: Uncertain significance. Last evaluated: 2026-08-01. Review status: criteria provided, single submitter. Criteria: CeGaT Center For Human Genetics Tuebingen Variant Classification Criteria Version 2. Collection method: clinical testing. Allele origin: germline. Affected: yes. Observed: 1 variant allele.
Comment: RPS6KA3: PM2, PP2

NM_004586.3(RPS6KA3):c.1049G>T (p.Arg350Met)

Gene: RPS6KA3 (ribosomal protein S6 kinase A3; minus strand). Cytogenetic location: Xp22.12.
Variant type: single nucleotide variant.
Coding change: c.1049G>T on transcript NM_004586.3 (MANE Select); coding-DNA position 1049, G replaced by T.
Protein change: p.Arg350Met; replaces arginine 350 with methionine.
Molecular consequence: missense variant.
Genome position (GRCh38, 1-based): chrX:20,176,303, C>A on the plus strand (G>T on the coding strand, the complement: RPS6KA3 is on the minus strand). VCF-style: chrX-20176303-C-A. GRCh37 (hg19) VCF-style: chrX-20194421-C-A.
Other names: c.965G>T, p.Arg322Met (NM_001438340.1); short protein forms R322M, R350M.
Identifiers: ClinVar variation 5040329 (VCV005040329.1).